The following is an entry in ClinVar:

NC_000001.10:g.(?_155870159)_(155880696_?)dup

Gene: RIT1 (Ras like without CAAX 1; minus strand). Cytogenetic location: 1q22.
Variant type: Duplication.
Identifiers: ClinVar variation 1015626 (VCV001015626.1).

ClinVar aggregate classification (germline): Uncertain significance (1 of 4 stars; one submission).

Conditions:
Noonan syndrome 8 (NS8). Identifiers: Orphanet 648, MedGen C3809233, MONDO:0014143, OMIM 615355.

Submission:

Labcorp Genetics (formerly Invitae), Labcorp
Classification: Uncertain significance for Noonan syndrome 8. Last evaluated: 2020-02-06. Review status: criteria provided, single submitter. Criteria: Invitae Variant Classification Sherloc (09022015). Collection method: clinical testing. Allele origin: germline.
Comment: This variant results in a copy number gain of the genomic region encompassing the full coding sequence of the RIT1 gene. The boundaries of this event are unknown as they extend beyond the assayed region for this gene and therefore may encompass additional genes. As the precise location of this event is unknown, it may be in tandem or it may be located elsewhere in the genome. This variant has not been reported in the literature in individuals with RIT1-related conditions. Experimental studies and prediction algorithms are not available or were not evaluated, and the functional significance of this variant is currently unknown. In summary, the available evidence is currently insufficient to determine the role of this variant in disease. Therefore, it has been classified as a Variant of Uncertain Significance.